The following is an entry in ClinVar:

ClinVar aggregate classification (germline): Uncertain significance (1 of 4 stars; one submission).

Conditions:
Primary ciliary dyskinesia. Also called: Ciliary dyskinesia. Identifiers: Orphanet 244, MedGen C0008780, MONDO:0016575, HP:0012265.

Allele frequency attached by ClinVar (database versions not stated): gnomAD exomes below 0.00001.
gnomAD v4.1: 4 of 1,320,878 alleles (0.0003%); highest among the groups gnomAD compares: Non-Finnish European, 0.00039%; no homozygotes.

Submission:

Labcorp Genetics (formerly Invitae), Labcorp
Classification: Uncertain significance for Primary ciliary dyskinesia. Last evaluated: 2024-08-05. Review status: criteria provided, single submitter. Criteria: Invitae Variant Classification Sherloc (09022015). Collection method: clinical testing. Allele origin: germline.
Comment: This sequence change replaces proline, which is neutral and non-polar, with serine, which is neutral and polar, at codon 44 of the DNAAF5 protein (p.Pro44Ser). This variant is not present in population databases (gnomAD no frequency). This variant has not been reported in the literature in individuals affected with DNAAF5-related conditions. Advanced modeling of protein sequence and biophysical properties (such as structural, functional, and spatial information, amino acid conservation, physicochemical variation, residue mobility, and thermodynamic stability) performed at Invitae indicates that this missense variant is not expected to disrupt DNAAF5 protein function with a negative predictive value of 80%. In summary, the available evidence is currently insufficient to determine the role of this variant in disease. Therefore, it has been classified as a Variant of Uncertain Significance.

NM_017802.4(DNAAF5):c.130C>T (p.Pro44Ser)

Genes: PRKAR1B (protein kinase cAMP-dependent type I regulatory subunit beta; minus strand), DNAAF5 (dynein axonemal assembly factor 5; plus strand), LOC129997730 (ATAC-STARR-seq lymphoblastoid silent region 17816; plus strand). Cytogenetic location: 7p22.3.
Variant type: single nucleotide variant.
Coding change: c.130C>T on transcript NM_017802.4 (MANE Select); coding-DNA position 130, C replaced by T.
Protein change: p.Pro44Ser; replaces proline 44 with serine.
Molecular consequence: missense variant. On other transcripts: non-coding transcript variant (1), intron variant (3).
Genome position (GRCh38, 1-based): chr7:726,850, C>T. VCF-style: chr7-726850-C-T. GRCh37 (hg19) VCF-style: chr7-766487-C-T.
Other names: c.-23+805G>A (NM_001164759.1); c.-23+740G>A (NM_001164758.2); c.-23+360G>A (NM_001164760.2); short protein forms P44S.
Identifiers: ClinVar variation 2880120 (VCV002880120.3), dbSNP rs2484000554, ClinGen allele CA366529816.
Genomic context (GRCh38, chr7:726,850, plus strand): 5'-GCGGTGGAGCTGAGCCGCGCCCTGAGCCGCCTGCTGCCGGGGCTGGAGGCCGACAGCAAG[C>T]CGGGCCGGCGGCGCGCCTTGGAGGCCCTGCGGCGCGCGCTGGAGGAGCCAGGCCCTGCCG-3'
Protein context (NP_060272.3, residues 34-54): LLPGLEADSK[Pro44Ser]GRRRALEALR